The following is an entry in ClinVar:

ClinVar aggregate classification (germline): Conflicting classifications of pathogenicity. Review status: criteria provided, conflicting classifications (1 of 4 stars). 7 submissions from 7 submitters: Uncertain significance (4); Likely benign (2). 1 of the submissions does not count toward it. Last evaluated 2025-11-03.

Conditions:
Lynch syndrome. Identifiers: Orphanet 144, MedGen C4552100, MONDO:0005835. Disease mechanism: loss of function.
Hereditary nonpolyposis colorectal neoplasms. Identifiers: MedGen C0009405, MeSH D003123.
Hereditary cancer-predisposing syndrome. Also called: Hereditary neoplastic syndrome; Tumor predisposition; Neoplastic Syndromes, Hereditary; Hereditary Cancer Syndrome. Identifiers: Orphanet 140162, MedGen C0027672, MeSH D009386, MONDO:0015356.
Lynch syndrome 5 (LYNCH5). Also called: Hereditary non-polyposis colorectal cancer, type 5; Colorectal cancer, hereditary nonpolyposis, type 5. Identifiers: Orphanet 144, MedGen C1833477, MONDO:0013710, OMIM 614350. Disease mechanism: loss of function.

Allele frequency attached by ClinVar (database versions not stated): gnomAD exomes below 0.00001; TOPMed below 0.00001; gnomAD 0.00001 and 0.00002.

Submissions (7):

Labcorp Genetics (formerly Invitae), Labcorp
Classification: Likely benign for Hereditary nonpolyposis colorectal neoplasms. Last evaluated: 2025-11-03. Review status: criteria provided, single submitter. Criteria: Invitae Variant Classification Sherloc (09022015). Collection method: clinical testing. Allele origin: germline.

Genomic Medicine Center of Excellence, King Faisal Specialist Hospital and Research Centre
Classification: Uncertain significance for Lynch syndrome 5. Last evaluated: 2025-09-10. Review status: criteria provided, single submitter. Criteria: ACMG Guidelines, 2015. Collection method: clinical testing. Allele origin: germline.

Ambry Genetics
Classification: Likely benign for Hereditary cancer-predisposing syndrome. Last evaluated: 2024-09-25. Review status: criteria provided, single submitter. Criteria: Ambry Variant Classification Scheme 2023. Collection method: clinical testing. Allele origin: germline.

All of Us Research Program, National Institutes of Health
Classification: Uncertain significance for Lynch syndrome. Last evaluated: 2024-04-10. Review status: criteria provided, single submitter. Criteria: ACMG Guidelines, 2015. Collection method: clinical testing. Allele origin: germline. Inheritance: Autosomal dominant inheritance. Observed: 1 variant allele, 1 heterozygote.
Comment: This study involves interpretation of variants in research participants for the purpose of population health screening. Participant phenotype was not available at the time of variant classification. Additional details can be found in publication PMID: 35346344, PMCID: PMC8962531

Color Diagnostics, LLC DBA Color Health
Classification: Uncertain significance for Hereditary cancer-predisposing syndrome. Last evaluated: 2019-01-07. Review status: criteria provided, single submitter. Criteria: ACMG Guidelines, 2015. Collection method: clinical testing. Allele origin: germline.

GeneDx
Classification: Uncertain significance. Last evaluated: 2016-05-06. Review status: criteria provided, single submitter. Criteria: GeneDx Variant Classification (06012015). Collection method: clinical testing. Allele origin: germline. Affected: yes.
Comment: This variant is denoted MSH6 c.4000_4001+17dup19 and consists of a duplication of 19 nucleotides at the intron/exon boundary of exon 9 in the MSH6 gene. The normal sequence with the bases that are duplicated in braces is ATTT[dup19]atgg where the capital letters are exonic and the lower case are intronic. MSH6 c.4000_4001+17dup19 was not observed in approximately 6,500 individuals of European and African American ancestry in the NHLBI Exome Sequencing Project, suggesting it is not a common benign variant in these populations. This variant has not, to our knowledge, been published in the literature as pathogenic or benign. The nucleotides that are duplicated are in a region that is not conserved. In silico splicing models are uninformative. Therefore, based on currently available information, it is unclear whether MSH6 c.4000_4001+17dup19 is a pathogenic variant or a benign variant. We consider it to be a variant of uncertain significance.

Counsyl
Classification: Uncertain significance for Lynch syndrome 5. Last evaluated: 2017-06-05. Review status: no assertion criteria provided. Collection method: clinical testing. Allele origin: unknown. Not counted in ClinVar's aggregate classification.

NM_000179.3(MSH6):c.4000_4001+17dup

Gene: MSH6 (mutS homolog 6; plus strand). Cytogenetic location: 2p16.3.
Variant type: Duplication.
Coding change: c.4000_4001+17dup on transcript NM_000179.3 (MANE Select); coding-DNA position 4000 through 17 bases into the intron after coding-DNA position 4001, 19 bases duplicated (CGGTAACTAACTAACTATA).
Molecular consequence: splice donor variant.
Genome position (GRCh38, 1-based): chr2:47,806,650-47,806,668, CGGTAACTAACTAACTATA duplicated. VCF-style (leftmost placement, unchanged base first): chr2-47806649-T-TCGGTAACTAACTAACTATA. GRCh37 (hg19) VCF-style: chr2-48033788-T-TCGGTAACTAACTAACTATA.
Other names: c.4000_4001+17dup19 (NM_000179.2); c.3094_3095+17dup (NM_001281493.2, NM_001281494.2); c.3610_3611+17dup (NM_001281492.2); c.4000_4001+17dupCGGTAACTAACTAACTATA (NM_000179.2).
Identifiers: ClinVar variation 421130 (VCV000421130.14), dbSNP rs1064794929, ClinGen allele CA16617721.
Genomic context (GRCh38, chr2:47,806,649, plus strand): 5'-TCAAAAGGGACATAGAAAAGCAAGAGAATTTGAGAAGATGAATCAGTCACTACGATTATT[T>TCGGTAACTAACTAACTATA]CGGTAACTAACTAACTATAATGGAATTATAACTAACTGACCTTAAGTTTCAAAGAAACAG-3'